The following is an entry in ClinVar:

ClinVar aggregate classification (germline): Uncertain significance. Review status: criteria provided, multiple submitters, no conflicts (2 of 4 stars). 4 submissions from 4 submitters: Uncertain significance (4). Last evaluated 2024-01-31.

Conditions:
Hereditary sensory and autonomic neuropathy type 6. Also called: Neuropathy, hereditary sensory and autonomic, type VI; HSAN VI. Identifiers: Orphanet 314381, MedGen C3539003, MONDO:0013839, OMIM 614653.
Epidermolysis bullosa simplex 3, localized or generalized intermediate, with BP230 deficiency (EBS3). Also called: Epidermolysis bullosa simplex, autosomal recessive 2; Epidermolysis bullosa simplex due to BP230 deficiency. Identifiers: Orphanet 412181, MedGen C3809470, MONDO:0014180, OMIM 615425.
Inborn genetic diseases. Identifiers: MedGen C0950123, MeSH D030342.

Allele frequency attached by ClinVar (database versions not stated): gnomAD exomes 0.00005 and 0.00014; ExAC 0.00007; TOPMed 0.00008; gnomAD 0.00009.
gnomAD v4.1: 219 of 1,613,496 alleles (0.014%); highest among the groups gnomAD compares: Non-Finnish European, 0.017%; no homozygotes.

Submissions (4):

Labcorp Genetics (formerly Invitae), Labcorp
Classification: Uncertain significance for Epidermolysis bullosa simplex 3, localized or generalized intermediate, with BP230 deficiency; Hereditary sensory and autonomic neuropathy type 6. Last evaluated: 2024-01-31. Review status: criteria provided, single submitter. Criteria: Invitae Variant Classification Sherloc (09022015). Collection method: clinical testing. Allele origin: germline.
Comment: The DST gene has multiple clinically relevant transcripts. This variant occurs in alternate transcript NM_015548.4, and corresponds to NM_001723.5:c.*80376C>T in the primary transcript. This sequence change replaces alanine, which is neutral and non-polar, with valine, which is neutral and non-polar, at codon 3018 of the DST protein (p.Ala3018Val). This variant is present in population databases (rs768150254, gnomAD 0.01%). This variant has not been reported in the literature in individuals affected with DST-related conditions. ClinVar contains an entry for this variant (Variation ID: 809955). Experimental studies and prediction algorithms are not available or were not evaluated, and the functional significance of this variant is currently unknown. In summary, the available evidence is currently insufficient to determine the role of this variant in disease. Therefore, it has been classified as a Variant of Uncertain Significance.

Mayo Clinic Laboratories, Mayo Clinic
Classification: Uncertain significance. Last evaluated: 2020-10-12. Review status: criteria provided, single submitter. Criteria: ACMG Guidelines, 2015. Collection method: clinical testing. Allele origin: germline. Observed: 2 variant alleles.

Ambry Genetics
Classification: Uncertain significance for Inborn genetic diseases. Last evaluated: 2020-09-22. Review status: criteria provided, single submitter. Criteria: Ambry Variant Classification Scheme 2023. Collection method: clinical testing. Allele origin: germline.
Comment: The p.A3522V variant (also known as c.10565C>T), located in coding exon 57 of the DST gene, results from a C to T substitution at nucleotide position 10565. The alanine at codon 3522 is replaced by valine, an amino acid with similar properties. This amino acid position is highly conserved in available vertebrate species. In addition, this alteration is predicted to be tolerated by in silico analysis. Since supporting evidence is limited at this time, the clinical significance of this alteration remains unclear.

CeGaT Center for Human Genetics Tuebingen
Classification: Uncertain significance. Last evaluated: 2018-03-01. Review status: criteria provided, single submitter. Criteria: CeGaT Center For Human Genetics Tuebingen Variant Classification Criteria Version 2. Collection method: clinical testing. Allele origin: germline. Affected: yes. Observed: 1 variant allele.

NM_001374736.1(DST):c.16922C>T (p.Ala5641Val)

Gene: DST (dystonin; minus strand). Cytogenetic location: 6p12.1.
Variant type: single nucleotide variant.
Coding change: c.16922C>T on transcript NM_001374736.1 (MANE Select); coding-DNA position 16922, C replaced by T.
Protein change: p.Ala5641Val; replaces alanine 5641 with valine.
Molecular consequence: missense variant.
Genome position (GRCh38, 1-based): chr6:56,535,141, G>A on the plus strand (C>T on the coding strand, the complement: DST is on the minus strand). VCF-style: chr6-56535141-G-A. GRCh37 (hg19) VCF-style: chr6-56399939-G-A.
Other names: c.10565C>T, p.Ala3522Val (NM_001144769.5); c.10151C>T, p.Ala3384Val (NM_001144770.2); c.16922C>T, p.Ala5641Val (NM_001374722.1); c.16289C>T, p.Ala5430Val (NM_001374729.1); c.10031C>T, p.Ala3344Val (NM_001374730.1, NM_183380.4); c.16949C>T, p.Ala5650Val (NM_001374734.1); c.9053C>T, p.Ala3018Val (NM_015548.5); short protein forms A3384V, A5430V, A3344V, A5641V, A3018V, A3522V, A5650V.
Identifiers: ClinVar variation 809955 (VCV000809955.53), dbSNP rs768150254, ClinGen allele CA3867571.